The following is an entry in ClinVar:

NM_006922.4(SCN3A):c.1104del (p.Phe369fs)

Gene: SCN3A (sodium voltage-gated channel alpha subunit 3; minus strand). Cytogenetic location: 2q24.3.
Variant type: Deletion.
Coding change: c.1104del on transcript NM_006922.4 (MANE Select); coding-DNA position 1104, one base deleted (C; older notation c.1104delC).
Protein change: p.Phe369fs; shifts the reading frame from phenylalanine 369.
Molecular consequence: frameshift variant.
Genome position (GRCh38, 1-based): chr2:165,155,831, G deleted on the plus strand (C on the coding strand, the reverse complement: SCN3A is on the minus strand); the first of 2 consecutive G bases (chr2:165,155,831-165,155,832); deleting either gives the same sequence. VCF-style (leftmost placement, unchanged base first): chr2-165155830-AG-A. GRCh37 (hg19) VCF-style: chr2-166012340-AG-A.
Other names: c.1104del, p.Phe369fs (NM_001081676.2, NM_001081677.2); short protein forms F369fs.
Identifiers: ClinVar variation 4879813 (VCV004879813.1).

ClinVar aggregate classification (germline): Uncertain significance (1 of 4 stars; one submission).

Conditions:
Genetic developmental and epileptic encephalopathy. Identifiers: MedGen CN379639, MONDO:0100062.

Submission:

Victorian Clinical Genetics Services, Murdoch Childrens Research Institute
Classification: Uncertain significance for Genetic developmental and epileptic encephalopathy. Last evaluated: 2026-03-27. Review status: criteria provided, single submitter. Criteria: ACMG Guidelines, 2015. Collection method: clinical testing. Allele origin: germline. Affected: yes.
Comment: This variant is classified as VUS-3A. Evidence in support of pathogenic classification: Variant is predicted to cause nonsense-mediated decay (NMD) and loss of protein (premature termination codon is located at least 54 nucleotides upstream of the final exon-exon junction); Variant is absent from gnomAD (v2, v3 and v4); Other NMD-predicted variant(s) comparable to the one identified in this case have moderate previous evidence for pathogenicity (DECIPHER, ClinVar, ClinGen). However, the majority of the NMD-predicted variants are classified as VUS (DECIPHER, ClinVar). Additional information: This variant is heterozygous; This gene is associated with autosomal dominant disease; This variant has no previous evidence of pathogenicity; No published evidence of segregation with disease has been identified for this variant; No published functional evidence has been identified for this variant; Gain of function is a known mechanism of disease in this gene and is associated with genetic developmental and epileptic encephalopathy (MONDO:0100062) (ClinGen; PMIDs: 28235671, 32515017, 35918039). Loss of function has also been suggested as mechanism of disease (PMIDs: 28235671, 32515017, 35918039); however, is not well established; The condition associated with this gene may have incomplete penetrance (PMIDs: 18242854, 32515017, 30146301); Variants in this gene are known to have variable expressivity. Features and severity vary among patients (PMID: 34081427).

Literature cited by the submitters: PubMed 35918039; PubMed 28235671; PubMed 30146301; PubMed 18242854; PubMed 32515017.